The following is an entry in ClinVar:

ClinVar aggregate classification (germline): Uncertain significance. Review status: criteria provided, multiple submitters, no conflicts (2 of 4 stars). 2 submissions from 2 submitters: Uncertain significance (2). Last evaluated 2025-05-02.

Conditions:
Inborn genetic diseases. Identifiers: MedGen C0950123, MeSH D030342.

gnomAD v4.1: 3 of 1,613,744 alleles (0.00019%); highest among the groups gnomAD compares: Admixed American, 0.005%; no homozygotes.

Submissions (2):

GeneDx
Classification: Uncertain significance. Last evaluated: 2025-05-02. Review status: criteria provided, single submitter. Criteria: GeneDx Variant Classification Process June 2021. Collection method: clinical testing. Allele origin: germline. Affected: yes.
Comment: Not observed at significant frequency in large population cohorts (gnomAD); In silico analysis supports that this missense variant has a deleterious effect on protein structure/function; Has not been previously published as pathogenic or benign to our knowledge

Ambry Genetics
Classification: Uncertain significance for Inborn genetic diseases. Last evaluated: 2024-07-09. Review status: criteria provided, single submitter. Criteria: Ambry Variant Classification Scheme 2023. Collection method: clinical testing. Allele origin: germline.

NM_001384140.1(PCDH15):c.1456G>C (p.Gly486Arg)

Gene: PCDH15 (protocadherin related 15; minus strand). Cytogenetic location: 10q21.1.
Variant type: single nucleotide variant.
Coding change: c.1456G>C on transcript NM_001384140.1 (MANE Select); coding-DNA position 1456, G replaced by C.
Protein change: p.Gly486Arg; replaces glycine 486 with arginine.
Molecular consequence: missense variant.
Genome position (GRCh38, 1-based): chr10:54,183,578, C>G on the plus strand (G>C on the coding strand, the complement: PCDH15 is on the minus strand). VCF-style: chr10-54183578-C-G. GRCh37 (hg19) VCF-style: chr10-55943338-C-G.
Other names: c.1471G>C, p.Gly491Arg (NM_001142763.2, NM_001142771.2); c.1456G>C, p.Gly486Arg (NM_001142764.2, NM_001142765.2, NM_001142766.2 and 6 more transcripts); c.1345G>C, p.Gly449Arg (NM_001142767.2); c.1390G>C, p.Gly464Arg (NM_001142768.2, NM_001142773.2, NM_001354404.2); c.1492G>C, p.Gly498Arg (NM_001142769.4); c.1477G>C, p.Gly493Arg (NM_001354411.2); short protein forms G464R, G491R, G498R, G449R, G486R, G493R.
Identifiers: ClinVar variation 3414735 (VCV003414735.2).